The following is an entry in ClinVar:

ClinVar aggregate classification (germline): Likely benign. Review status: criteria provided, multiple submitters, no conflicts (2 of 4 stars). 2 submissions from 2 submitters: Likely benign (2). Last evaluated 2024-08-05.

Conditions:
Early-infantile DEE. Also called: Ohtahara syndrome; Early infantile epileptic encephalopathy with suppression bursts; Early infantile epileptic encephalopathy. Identifiers: Orphanet 1934, MedGen C0393706, MONDO:0800491.

Allele frequency attached by ClinVar (database versions not stated): gnomAD exomes below 0.00001 and 0.00001; ExAC 0.00001.
gnomAD v4.1: 7 of 1,614,220 alleles (0.00043%); highest among the groups gnomAD compares: Middle Eastern, 0.016%; no homozygotes.

Submissions (2):

Labcorp Genetics (formerly Invitae), Labcorp
Classification: Likely benign for Early-infantile DEE. Last evaluated: 2024-08-05. Review status: criteria provided, single submitter. Criteria: Invitae Variant Classification Sherloc (09022015). Collection method: clinical testing. Allele origin: germline.

CeGaT Center for Human Genetics Tuebingen
Classification: Likely benign. Last evaluated: 2023-06-01. Review status: criteria provided, single submitter. Criteria: CeGaT Center For Human Genetics Tuebingen Variant Classification Criteria Version 2. Collection method: clinical testing. Allele origin: germline. Affected: yes. Observed: 1 variant allele.
Comment: SPTAN1: BP4, BP7

NM_001130438.3(SPTAN1):c.2538G>A (p.Lys846=)

Gene: SPTAN1 (spectrin alpha, non-erythrocytic 1; plus strand). Cytogenetic location: 9q34.11.
Variant type: single nucleotide variant.
Coding change: c.2538G>A on transcript NM_001130438.3 (MANE Select); coding-DNA position 2538, G replaced by A.
Protein change: p.Lys846=; no amino-acid change (lysine 846 retained).
Molecular consequence: synonymous variant.
Genome position (GRCh38, 1-based): chr9:128,584,821, G>A. VCF-style: chr9-128584821-G-A. GRCh37 (hg19) VCF-style: chr9-131347100-G-A.
Other names: c.2538G>A, p.Lys846= (NM_001195532.2, NM_001363759.2, NM_001363765.2 and 5 more transcripts); c.2574G>A, p.Lys858= (NM_001375312.2, NM_001375318.1).
Identifiers: ClinVar variation 1565169 (VCV001565169.32), dbSNP rs754477004, ClinGen allele CA5264659.